The following is an entry in ClinVar:

ClinVar aggregate classification (germline): Uncertain significance (1 of 4 stars; one submission).

Conditions:
Succinate-semialdehyde dehydrogenase deficiency (SSADHD). Also called: Succinic Semialdehyde Dehydrogenase Deficiency; GABA METABOLIC DEFECT; SSADH DEFICIENCY; 4-HYDROXYBUTYRIC ACIDURIA. Identifiers: Orphanet 22, MedGen C0268631, MONDO:0010083, OMIM 271980.

gnomAD v4.1: 1 of 1,494,554 alleles (0.000067%); highest among the groups gnomAD compares: Non-Finnish European, 0.000089%; no homozygotes.

Submission:

Labcorp Genetics (formerly Invitae), Labcorp
Classification: Uncertain significance for Succinate-semialdehyde dehydrogenase deficiency. Last evaluated: 2022-03-19. Review status: criteria provided, single submitter. Criteria: Invitae Variant Classification Sherloc (09022015). Collection method: clinical testing. Allele origin: germline.
Comment: ClinVar contains an entry for this variant (Variation ID: 934070). In summary, the available evidence is currently insufficient to determine the role of this variant in disease. Therefore, it has been classified as a Variant of Uncertain Significance. Advanced modeling of protein sequence and biophysical properties (such as structural, functional, and spatial information, amino acid conservation, physicochemical variation, residue mobility, and thermodynamic stability) performed at Invitae indicates that this missense variant is not expected to disrupt ALDH5A1 protein function. This variant has not been reported in the literature in individuals affected with ALDH5A1-related conditions. This variant is not present in population databases (gnomAD no frequency). This sequence change replaces leucine, which is neutral and non-polar, with arginine, which is basic and polar, at codon 59 of the ALDH5A1 protein (p.Leu59Arg).

NM_001080.3(ALDH5A1):c.176T>G (p.Leu59Arg)

Genes: ALDH5A1 (aldehyde dehydrogenase 5 family member A1; plus strand), GPLD1 (glycosylphosphatidylinositol specific phospholipase D1; minus strand), LOC129995978 (ATAC-STARR-seq lymphoblastoid silent region 16989; plus strand). Cytogenetic location: 6p22.3.
Variant type: single nucleotide variant.
Coding change: c.176T>G on transcript NM_001080.3 (MANE Select); coding-DNA position 176, T replaced by G.
Protein change: p.Leu59Arg; replaces leucine 59 with arginine.
Molecular consequence: missense variant.
Genome position (GRCh38, 1-based): chr6:24,495,172, T>G. VCF-style: chr6-24495172-T-G. GRCh37 (hg19) VCF-style: chr6-24495400-T-G.
Other names: c.176T>G, p.Leu59Arg (NM_001368954.1, NM_170740.1); short protein forms L59R.
Identifiers: ClinVar variation 934070 (VCV000934070.10), dbSNP rs1001493071, ClinGen allele CA362968375.
Genomic context (GRCh38, chr6:24,495,172, plus strand): 5'-CCGGCCCGGCCCAGCTCCGCTGCTACGCTGGGCGCCTGGCGGGCCTCTCTGCGGCGCTGC[T>G]GCGCACCGACAGCTTCGTGGGCGGCCGCTGGCTCCCGGCCGCCGCCACCTTCCCCGTGCA-3'
Protein context (NP_001071.1, residues 49-69): GRLAGLSAAL[Leu59Arg]RTDSFVGGRW